The following is an entry in ClinVar:

Conditions:
Breast-ovarian cancer, familial, susceptibility to, 1 (BROVCA1). Also called: BRCA1 Hereditary Breast and Ovarian Cancer; OVARIAN CANCER, SUSCEPTIBILITY TO. Identifiers: Orphanet 145, MedGen C2676676, MONDO:0011450, OMIM 604370. Disease mechanism: loss of function.

Submission:

Brotman Baty Institute, University of Washington
No classification provided (evidence only). Condition: Breast-ovarian cancer, familial 1. Review status: no classification provided. Collection method: in vitro. Allele origin: not applicable. Functional consequence: functionally_normal.
ClinVar note: "not provided" was previously submitted as the classification for the variant. However, the classification appeared to be based only on an observation of functional data so it was converted to no classification on 2025-07-30.

NM_007294.4(BRCA1):c.5344T>C (p.Trp1782Arg)

Gene: BRCA1 (BRCA1 DNA repair associated; minus strand). Cytogenetic location: 17q21.31.
Variant type: single nucleotide variant.
Coding change: c.5344T>C on transcript NM_007294.4 (MANE Select); coding-DNA position 5344, T replaced by C.
Protein change: p.Trp1782Arg; replaces tryptophan 1782 with arginine.
Molecular consequence: missense variant. On other transcripts: non-coding transcript variant (1), intron variant (1).
Genome position (GRCh38, 1-based): chr17:43,049,183, A>G on the plus strand (T>C on the coding strand, the complement: BRCA1 is on the minus strand). VCF-style: chr17-43049183-A-G. GRCh37 (hg19) VCF-style: chr17-41201200-A-G.
Other names: c.5131T>C, p.Trp1711Arg (NM_001407571.1, NM_001407900.1, NM_001407902.1 and 12 more transcripts); c.5410T>C, p.Trp1804Arg (NM_001407581.1, NM_001407582.1); c.5407T>C, p.Trp1803Arg (NM_001407583.1, NM_001407585.1, NM_001407587.1 and 1 more transcripts); c.5404T>C, p.Trp1802Arg (NM_001407590.1, NM_001407591.1); c.5344T>C, p.Trp1782Arg (NM_001407593.1, NM_001407594.1, NM_001407596.1 and 5 more transcripts); c.5341T>C, p.Trp1781Arg (NM_001407610.1, NM_001407611.1, NM_001407612.1 and 14 more transcripts); c.5338T>C, p.Trp1780Arg (NM_001407627.1, NM_001407628.1, NM_001407629.1 and 13 more transcripts); c.5335T>C, p.Trp1779Arg (NM_001407644.1, NM_001407645.1); and 73 more; short protein forms W1735R, W1782R, W678R, W1803R, W1486R, W1613R, W1654R, W1670R.
Identifiers: ClinVar variation 868358 (VCV000868358.3), dbSNP rs2051093708, ClinGen allele CA10590775.